The following is an entry in ClinVar:

NM_001371928.1(AHDC1):c.2396G>A (p.Arg799Gln)

Gene: AHDC1 (AT-hook DNA binding motif containing 1; minus strand). Cytogenetic location: 1p36.11.
Variant type: single nucleotide variant.
Coding change: c.2396G>A on transcript NM_001371928.1 (MANE Select); coding-DNA position 2396, G replaced by A.
Protein change: p.Arg799Gln; replaces arginine 799 with glutamine.
Molecular consequence: missense variant.
Genome position (GRCh38, 1-based): chr1:27,549,720, C>T on the plus strand (G>A on the coding strand, the complement: AHDC1 is on the minus strand). VCF-style: chr1-27549720-C-T. GRCh37 (hg19) VCF-style: chr1-27876231-C-T.
Other names: c.2396G>A, p.Arg799Gln (NM_001029882.3); short protein forms R799Q.
Identifiers: ClinVar variation 1909480 (VCV001909480.5), dbSNP rs1010737698, ClinGen allele CA19876240.

ClinVar aggregate classification (germline): Uncertain significance (1 of 4 stars; one submission).

Allele frequency attached by ClinVar (database versions not stated): gnomAD exomes 0.00001; gnomAD 0.00002; TOPMed 0.00005.
gnomAD v4.1: 12 of 1,612,890 alleles (0.00074%); highest among the groups gnomAD compares: African/African-American, 0.008%; no homozygotes.

Submission:

Labcorp Genetics (formerly Invitae), Labcorp
Classification: Uncertain significance. Last evaluated: 2026-01-05. Review status: criteria provided, single submitter. Criteria: Invitae Variant Classification Sherloc (09022015). Collection method: clinical testing. Allele origin: germline.
Comment: This sequence change replaces arginine, which is basic and polar, with glutamine, which is neutral and polar, at codon 799 of the AHDC1 protein (p.Arg799Gln). This variant is present in population databases (no rsID available, gnomAD 0.0009%). This variant has not been reported in the literature in individuals affected with AHDC1-related conditions. ClinVar contains an entry for this variant (Variation ID: 1909480). An algorithm developed to predict the effect of missense changes on protein structure and function outputs the following: PolyPhen-2: "Benign". The glutamine amino acid residue is found in multiple mammalian species, which suggests that this missense change does not adversely affect protein function. In summary, the available evidence is currently insufficient to determine the role of this variant in disease. Therefore, it has been classified as a Variant of Uncertain Significance.